The following is an entry in ClinVar:

ClinVar aggregate classification (germline): Uncertain significance (1 of 4 stars; one submission).

Conditions:
Spermatogenic failure 95. Identifiers: MedGen C5975347, MONDO:0975747, OMIM 620917.

Submission:

Juno Genomics, Hangzhou Juno Genomics, Inc
Classification: Uncertain significance for Spermatogenic failure 95. Review status: criteria provided, single submitter. Criteria: ACMG Guidelines, 2015. Collection method: clinical testing. Allele origin: germline.
Comment: Absent from controls (or at extremely low frequency if recessive) in Genome Aggregation Database.;Multiple lines of computational evidence support a deleterious effect on the gene or gene product.

NM_001378189.1(CFAP57):c.3002T>C (p.Ile1001Thr)

Genes: CFAP57 (cilia and flagella associated protein 57; plus strand), EBNA1BP2 (EBNA1 binding protein 2; minus strand), LOC105378685 (uncharacterized LOC105378685; minus strand). Cytogenetic location: 1p34.2.
Variant type: single nucleotide variant.
Coding change: c.3002T>C on transcript NM_001378189.1 (MANE Select); coding-DNA position 3002, T replaced by C.
Protein change: p.Ile1001Thr; replaces isoleucine 1001 with threonine.
Molecular consequence: missense variant.
Genome position (GRCh38, 1-based): chr1:43,227,119, T>C. VCF-style: chr1-43227119-T-C. GRCh37 (hg19) VCF-style: chr1-43692790-T-C.
Other names: c.3002T>C, p.Ile1001Thr (NM_001195831.3); short protein forms I1001T.
Identifiers: ClinVar variation 5006598 (VCV005006598.2).
Genomic context (GRCh38, chr1:43,227,119, plus strand): 5'-AGGAGCTGAAGAAGCAAATAGAACCTCGAGAGAATGAGATCAGGGTGATGAAGGAACAGA[T>C]TCAGGAGGTAAGAAGCCATTTGCAACACTCTGGCCTCTCAGACCCTCTGTCTCTTCTTCC-3'
Protein context (NP_001365118.1, residues 991-1011): ENEIRVMKEQ[Ile1001Thr]QEMEAELENF